The following is an entry in ClinVar:

NM_000245.4(MET):c.3500A>G (p.Asn1167Ser)

Gene: MET (MET proto-oncogene, receptor tyrosine kinase; plus strand). Cytogenetic location: 7q31.2.
Variant type: single nucleotide variant.
Coding change: c.3500A>G on transcript NM_000245.4 (MANE Select); coding-DNA position 3500, A replaced by G.
Protein change: p.Asn1167Ser; replaces asparagine 1167 with serine.
Molecular consequence: missense variant.
Genome position (GRCh38, 1-based): chr7:116,778,935, A>G. VCF-style: chr7-116778935-A-G. GRCh37 (hg19) VCF-style: chr7-116418989-A-G.
Other names: c.3554A>G, p.Asn1185Ser (NM_001127500.3); c.2210A>G, p.Asn737Ser (NM_001324402.2); short protein forms N1185S, N1167S, N737S.
Identifiers: ClinVar variation 2986655 (VCV002986655.3), dbSNP rs2117048058, ClinGen allele CA368990314.

ClinVar aggregate classification (germline): Uncertain significance (1 of 4 stars; one submission).

Conditions:
Renal cell carcinoma. Identifiers: Orphanet 217071, MedGen C0007134, MeSH D002292, MONDO:0005086, HP:0005584.

Submission:

Labcorp Genetics (formerly Invitae), Labcorp
Classification: Uncertain significance for Renal cell carcinoma. Last evaluated: 2022-11-07. Review status: criteria provided, single submitter. Criteria: Invitae Variant Classification Sherloc (09022015). Collection method: clinical testing. Allele origin: germline.
Comment: This sequence change replaces asparagine, which is neutral and polar, with serine, which is neutral and polar, at codon 1185 of the MET protein (p.Asn1185Ser). This variant is not present in population databases (gnomAD no frequency). This variant has not been reported in the literature in individuals affected with MET-related conditions. Advanced modeling of protein sequence and biophysical properties (such as structural, functional, and spatial information, amino acid conservation, physicochemical variation, residue mobility, and thermodynamic stability) performed at Invitae indicates that this missense variant is not expected to disrupt MET protein function. In summary, the available evidence is currently insufficient to determine the role of this variant in disease. Therefore, it has been classified as a Variant of Uncertain Significance.